The following is an entry in ClinVar:

ClinVar aggregate classification (germline): Pathogenic/Likely pathogenic. Review status: criteria provided, multiple submitters, no conflicts (2 of 4 stars). 6 submissions from 6 submitters: Pathogenic (4); Likely pathogenic (2). Last evaluated 2026-02-13.

Conditions:
Inborn genetic diseases. Identifiers: MedGen C0950123, MeSH D030342.
Weiss-Kruszka syndrome. Also called: Metopic ridging-ptosis-facial dysmorphism syndrome. Identifiers: Orphanet 502430, MedGen C5568107, MONDO:0032836, OMIM 618619.
ZNF462-related disorder. Also called: ZNF462-related condition; ZNF462 related disease.

Submissions (6):

GeneDx
Classification: Pathogenic. Last evaluated: 2026-02-13. Review status: criteria provided, single submitter. Criteria: GeneDx Variant Classification Process June 2021. Collection method: clinical testing. Allele origin: germline.
Comment: Frameshift variant predicted to result in protein truncation or nonsense mediated decay in a gene for which loss of function is a known mechanism of disease; Reported in a proband with autism from the SPARK cohort; however, detailed clinical information was not provided (PMID: 38958063); This variant is associated with the following publications: (PMID: 38958063)

Variantyx, Inc.
Classification: Pathogenic for Weiss-Kruszka syndrome. Last evaluated: 2026-01-16. Review status: criteria provided, single submitter. Criteria: Variantyx Assertion Criteria 2022. Collection method: clinical testing. Allele origin: germline. Inheritance: Autosomal recessive inheritance. Affected: yes.
Comment: This is a frameshift variant in the ZNF462 gene (OMIM: 617371). Pathogenic variants in this gene have been associated with autosomal dominant Weiss-Kruszka syndrome. This variant introduces a premature termination codon in exon 3 out of 13 and is expected to result in loss of function, which is a known disease mechanism for ZNF462 in this disorder (PMID: 32543299) (PVS1). A different nucleotide change resulting in the same frameshift product (p.Gln1103ThrfsTer10) was identified as a de novo finding in a pediatric patient diagnosed with Weiss-Kruszka syndrome (PMID: 32543299). Due to technical limitations of sequencing low complexity regions, the allele frequencies observed in non-founder control populations are not considered reliable for this variant. Based on the current evidence, this variant is classified as pathogenic for autosomal dominant Weiss-Kruszka syndrome.

Ambry Genetics
Classification: Pathogenic for Inborn genetic diseases. Last evaluated: 2024-03-05. Review status: criteria provided, single submitter. Criteria: Ambry Variant Classification Scheme 2023. Collection method: clinical testing. Allele origin: germline.
Comment: The c.3305dupC (p.Q1103Tfs*10) alteration, located in exon 3 (coding exon 2) of the ZNF462 gene, consists of a duplication of C at position 3305, causing a translational frameshift with a predicted alternate stop codon after 10 amino acids. This alteration is expected to result in loss of function by premature protein truncation or nonsense-mediated mRNA decay. The ZNF462 c.3305dupC alteration was flagged as a low confidence call in the Genome Aggregation Database (gnomAD). A different nucleotide change, c.3306dup, resulting in the same p.Q1103Tfs*10 was detected de novo in one individual with psychomotor delay, generalized hypotonia with hypermobility, bilateral palpebral ptosis, epicanthal folds, and poorly expressive facies (Gonz&aacute;lez-Taranc&oacute;n, 2022). Based on the available evidence, this alteration is classified as pathogenic.

Daryl Scott Lab, Baylor College of Medicine
Classification: Likely pathogenic for Weiss-Kruszka syndrome. Last evaluated: 2024-01-01. Review status: criteria provided, single submitter. Criteria: ACMG Guidelines, 2015. Collection method: clinical testing. Allele origin: de novo. Affected: yes. Observed: 1 heterozygote.
Comment: PVS1, PS2, PM2

Blueprint Genetics
Classification: Likely pathogenic for ZNF462-related disorders. Last evaluated: 2021-04-28. Review status: criteria provided, single submitter. Criteria: ACMG Guidelines, 2015. Collection method: clinical testing. Allele origin: germline. Affected: yes. Observed: 4 variant alleles.

Juno Genomics, Hangzhou Juno Genomics, Inc
Classification: Pathogenic for Weiss-Kruszka syndrome. Review status: criteria provided, single submitter. Criteria: ACMG Guidelines, 2015. Collection method: clinical testing. Allele origin: germline. Affected: yes.
Comment: Null variant in a gene where loss of function (LOF) is a known mechanism of disease.;Absent from controls (or at extremely low frequency if recessive) in Genome Aggregation Database, Exome Sequencing Project, 1000 Genomes Project, or Exome Aggregation Consortium.;Patient's phenotype or family history is highly specific for a disease with a single genetic etiology.

Literature cited by the submitters: PubMed 32543299 (cited by Variantyx, Inc. and Ambry Genetics).

NM_021224.6(ZNF462):c.3305dup (p.Gln1103fs)

Gene: ZNF462 (zinc finger protein 462; plus strand). Cytogenetic location: 9q31.2.
Variant type: Duplication.
Coding change: c.3305dup on transcript NM_021224.6 (MANE Select); coding-DNA position 3305, one base duplicated (C; older notation c.3305dupC).
Protein change: p.Gln1103fs; shifts the reading frame from glutamine 1103.
Molecular consequence: frameshift variant. On other transcripts: intron variant (1).
Genome position (GRCh38, 1-based): chr9:106,927,217, C duplicated; the last of 8 consecutive C bases (chr9:106,927,210-106,927,217); duplicating any one gives the same sequence. VCF-style (leftmost placement, unchanged base first): chr9-106927209-A-AC. GRCh37 (hg19) VCF-style: chr9-109689490-A-AC.
Other names: c.3252+53dup (NM_001347997.2); c.3305dup (NM_021224.4); c.3305dupC (NM_021224.6); short protein forms Q1103fs.
Identifiers: ClinVar variation 3195930 (VCV003195930.7), dbSNP rs753422696, ClinGen allele CA5171628.